The following is an entry in ClinVar:

ClinVar aggregate classification (germline): Uncertain significance (1 of 4 stars; one submission).

Conditions:
RASA1-related disorder. Also called: RASA1-related condition.

gnomAD v4.1: 2 of 1,612,728 alleles (0.00012%); highest among the groups gnomAD compares: Non-Finnish European, 0.00017%; no homozygotes.

Submission:

PreventionGenetics, part of Exact Sciences
Classification: Uncertain significance for RASA1-related condition. Last evaluated: 2025-08-07. Review status: criteria provided, single submitter. Criteria: ACMG Guidelines, 2015. Collection method: clinical testing. Allele origin: germline.
Comment: The RASA1 c.2344G>A variant is predicted to result in the amino acid substitution p.Asp782Asn. To our knowledge, this variant has not been reported in the literature or in a large population database (gnomAD), indicating this variant is rare. At this time, the clinical significance of this variant is uncertain due to the absence of conclusive functional and genetic evidence.

NM_002890.3(RASA1):c.2344G>A (p.Asp782Asn)

Genes: CCNH (cyclin H; minus strand), RASA1 (RAS p21 protein activator 1; plus strand). Cytogenetic location: 5q14.3.
Variant type: single nucleotide variant.
Coding change: c.2344G>A on transcript NM_002890.3 (MANE Select); coding-DNA position 2344, G replaced by A.
Protein change: p.Asp782Asn; replaces aspartic acid 782 with asparagine.
Molecular consequence: missense variant. On other transcripts: intron variant (1).
Genome position (GRCh38, 1-based): chr5:87,377,040, G>A. VCF-style: chr5-87377040-G-A. GRCh37 (hg19) VCF-style: chr5-86672857-G-A.
Other names: c.1813G>A, p.Asp605Asn (NM_022650.3); c.933+18004C>T (NM_001364075.2); short protein forms D605N, D782N.
Identifiers: ClinVar variation 4997250 (VCV004997250.1).
Genomic context (GRCh38, chr5:87,377,040, plus strand): 5'-CACGAAAAGCTTGAATCGTTGTTGTTATGCACACTAAATGACAGAGAAATAAGCATGGAA[G>A]GTATGGTATGGCCATGTTAGTGTGATACAAGAAACTGGGTTTAGATTTTATATCAAGGAT-3'
Protein context (NP_002881.1, residues 772-792): TLNDREISME[Asp782Asn]EATTLFRATT